The following is an entry in ClinVar:

ClinVar aggregate classification (germline): Uncertain significance (1 of 4 stars; one submission).

Submission:

Labcorp Genetics (formerly Invitae), Labcorp
Classification: Uncertain significance. Last evaluated: 2024-02-22. Review status: criteria provided, single submitter. Criteria: Invitae Variant Classification Sherloc (09022015). Collection method: clinical testing. Allele origin: germline.
Comment: This sequence change replaces glutamine, which is neutral and polar, with histidine, which is basic and polar, at codon 164 of the COL9A2 protein (p.Gln164His). This variant is not present in population databases (gnomAD no frequency). This variant has not been reported in the literature in individuals affected with COL9A2-related conditions. Advanced modeling of protein sequence and biophysical properties (such as structural, functional, and spatial information, amino acid conservation, physicochemical variation, residue mobility, and thermodynamic stability) performed at Invitae indicates that this missense variant is not expected to disrupt COL9A2 protein function with a negative predictive value of 95%. In summary, the available evidence is currently insufficient to determine the role of this variant in disease. Therefore, it has been classified as a Variant of Uncertain Significance.

NM_001852.4(COL9A2):c.492G>T (p.Gln164His)

Gene: COL9A2 (collagen type IX alpha 2 chain; minus strand). Cytogenetic location: 1p34.2.
Variant type: single nucleotide variant.
Coding change: c.492G>T on transcript NM_001852.4 (MANE Select); coding-DNA position 492, G replaced by T.
Protein change: p.Gln164His; replaces glutamine 164 with histidine.
Molecular consequence: missense variant.
Genome position (GRCh38, 1-based): chr1:40,311,527, C>A on the plus strand (G>T on the coding strand, the complement: COL9A2 is on the minus strand). VCF-style: chr1-40311527-C-A. GRCh37 (hg19) VCF-style: chr1-40777199-C-A.
Other names: short protein forms Q164H.
Identifiers: ClinVar variation 3694013 (VCV003694013.2).